The following is an entry in ClinVar:

ClinVar aggregate classification (germline): Pathogenic. Review status: criteria provided, multiple submitters, no conflicts (2 of 4 stars). 7 submissions from 7 submitters: Pathogenic (7). Last evaluated 2025-07-01.

Conditions:
Hereditary cancer-predisposing syndrome. Also called: Tumor predisposition; Hereditary Cancer Syndrome; Hereditary neoplastic syndrome; Neoplastic Syndromes, Hereditary. Identifiers: Orphanet 140162, MedGen C0027672, MeSH D009386, MONDO:0015356.
Cardiovascular phenotype. Identifiers: MedGen CN230736.
NF1-related disorder. Also called: NF1-related condition. Identifiers: MedGen CN379171.
Neurofibromatosis, type 1 (NF1). Also called: Neurofibromatosis, type I; NEUROFIBROMATOSIS, TYPE I, SOMATIC; VON RECKLINGHAUSEN DISEASE; Peripheral type neurofibromatosis. Identifiers: Orphanet 636, MedGen C0027831, MONDO:0018975, OMIM 162200. Disease mechanism: loss of function.

Submissions (7):

NHS Central & South Genomic Laboratory Hub
Classification: Pathogenic for Neurofibromatosis type 1. Last evaluated: 2025-07-01. Review status: criteria provided, single submitter. Criteria: ACMG Guidelines, 2015. Collection method: clinical testing. Allele origin: germline. Affected: yes.

Labcorp Genetics (formerly Invitae), Labcorp
Classification: Pathogenic for Neurofibromatosis, type 1. Last evaluated: 2024-05-26. Review status: criteria provided, single submitter. Criteria: Invitae Variant Classification Sherloc (09022015). Collection method: clinical testing. Allele origin: germline.
Comment: This sequence change creates a premature translational stop signal (p.Trp599*) in the NF1 gene. It is expected to result in an absent or disrupted protein product. Loss-of-function variants in NF1 are known to be pathogenic (PMID: 10712197, 23913538). This variant is not present in population databases (gnomAD no frequency). This premature translational stop signal has been observed in individual(s) with neurofibromatosis type 1 (PMID: 10607834). ClinVar contains an entry for this variant (Variation ID: 429013). Algorithms developed to predict the effect of sequence changes on RNA splicing suggest that this variant may disrupt the consensus splice site. For these reasons, this variant has been classified as Pathogenic.

GeneDx
Classification: Pathogenic. Last evaluated: 2024-03-28. Review status: criteria provided, single submitter. Criteria: GeneDx Variant Classification Process June 2021. Collection method: clinical testing. Allele origin: germline. Affected: yes.
Comment: Nonsense variant predicted to result in protein truncation or nonsense mediated decay in a gene for which loss-of-function is a known mechanism of disease; Not observed at significant frequency in large population cohorts (gnomAD); This variant is associated with the following publications: (PMID: 10607834, 24676424, 31155235)

Blueprint Genetics
Classification: Pathogenic for NF1-related disorders. Last evaluated: 2023-04-20. Review status: criteria provided, single submitter. Criteria: ACMG Guidelines, 2015. Collection method: clinical testing. Allele origin: germline. Affected: yes. Observed: 1 variant allele.

Genome-Nilou Lab
Classification: Pathogenic for Neurofibromatosis, type 1. Last evaluated: 2022-03-15. Review status: criteria provided, single submitter. Criteria: ACMG Guidelines, 2015. Collection method: clinical testing. Allele origin: germline. Affected: no.

Ambry Genetics
Classification: Pathogenic for Cardiovascular phenotype; Hereditary cancer-predisposing syndrome. Last evaluated: 2016-11-23. Review status: criteria provided, single submitter. Criteria: Ambry Variant Classification Scheme 2023. Collection method: clinical testing. Allele origin: germline.
Comment: The p.W599* pathogenic mutation (also known as c.1796G>A), located in coding exon 16 of the NF1 gene, results from a G to A substitution at nucleotide position 1796. This changes the amino acid from a tryptophan to a stop codon within coding exon 16. This pathogenic mutation was identified in a patient with sporadic neurofibromatosis type 1 (NF1) who met clinical criteria (Ars E et al. Hum. Mol. Genet., 2000 Jan;9:237-47). In addition to the clinical data presented in the literature, this alteration is expected to result in loss of function by premature protein truncation or nonsense-mediated mRNA decay. As such, this alteration is interpreted as a disease-causing mutation.

Juno Genomics, Hangzhou Juno Genomics, Inc
Classification: Pathogenic for Neurofibromatosis, type 1. Review status: criteria provided, single submitter. Criteria: ACMG Guidelines, 2015. Collection method: clinical testing. Allele origin: germline. Affected: yes.
Comment: Absent from controls (or at extremely low frequency if recessive) in Genome Aggregation Database, Exome Sequencing Project, 1000 Genomes Project, or Exome Aggregation Consortium.;Null variant in a gene where loss of function (LOF) is a known mechanism of disease.;Patient's phenotype or family history is highly specific for a disease with a single genetic etiology.

Literature cited by the submitters: PubMed 10712197 (cited by Labcorp Genetics (formerly Invitae), Labcorp); PubMed 23913538 (cited by Labcorp Genetics (formerly Invitae), Labcorp); PubMed 10607834 (cited by Labcorp Genetics (formerly Invitae), Labcorp).

NM_001042492.3(NF1):c.1796G>A (p.Trp599Ter)

Gene: NF1 (neurofibromin 1; plus strand). Cytogenetic location: 17q11.2.
Variant type: single nucleotide variant.
Coding change: c.1796G>A on transcript NM_001042492.3 (MANE Select); coding-DNA position 1796, G replaced by A.
Protein change: p.Trp599Ter; replaces tryptophan 599 with a stop codon.
Molecular consequence: nonsense.
Genome position (GRCh38, 1-based): chr17:31,223,518, G>A. VCF-style: chr17-31223518-G-A. GRCh37 (hg19) VCF-style: chr17-29550536-G-A.
Other names: c.1796G>A, p.Trp599Ter (NM_000267.4); short protein forms W599*.
Identifiers: ClinVar variation 429013 (VCV000429013.19), dbSNP rs1131691130, ClinGen allele CA399004390.